The following is an entry in ClinVar:

ClinVar aggregate classification (germline): Uncertain significance. Review status: criteria provided, multiple submitters, no conflicts (2 of 4 stars). 3 submissions from 3 submitters: Uncertain significance (3). Last evaluated 2025-09-24.

Conditions:
Inborn genetic diseases. Identifiers: MedGen C0950123, MeSH D030342.
PCDH15-related disorder. Also called: PCDH15-related condition; PCDH15-related disorders.

Allele frequency attached by ClinVar (database versions not stated): ExAC 0.00002; gnomAD exomes below 0.00001.
gnomAD v4.1: 5 of 1,613,828 alleles (0.00031%); highest among the groups gnomAD compares: Admixed American, 0.0017%; no homozygotes.

Submissions (3):

Ambry Genetics
Classification: Uncertain significance for Inborn genetic diseases. Last evaluated: 2025-09-24. Review status: criteria provided, single submitter. Criteria: Ambry Variant Classification Scheme 2023. Collection method: clinical testing. Allele origin: germline.

PreventionGenetics, part of Exact Sciences
Classification: Uncertain significance for PCDH15-related condition. Last evaluated: 2024-12-06. Review status: criteria provided, single submitter. Criteria: ACMG Guidelines, 2015. Collection method: clinical testing. Allele origin: germline.
Comment: The PCDH15 c.5141G>A variant is predicted to result in the amino acid substitution p.Arg1714Lys. To our knowledge, this variant has not been reported in the literature or in a large population database (gnomAD), indicating this variant is rare. At this time, the clinical significance of this variant is uncertain due to the absence of conclusive functional and genetic evidence.

Labcorp Genetics (formerly Invitae), Labcorp
Classification: Uncertain significance. Last evaluated: 2024-10-22. Review status: criteria provided, single submitter. Criteria: Invitae Variant Classification Sherloc (09022015). Collection method: clinical testing. Allele origin: germline.
Comment: This sequence change replaces arginine, which is basic and polar, with lysine, which is basic and polar, at codon 1714 of the PCDH15 protein (p.Arg1714Lys). This variant is present in population databases (rs759247512, gnomAD 0.006%). This variant has not been reported in the literature in individuals affected with PCDH15-related conditions. ClinVar contains an entry for this variant (Variation ID: 2417035). Invitae Evidence Modeling of protein sequence and biophysical properties (such as structural, functional, and spatial information, amino acid conservation, physicochemical variation, residue mobility, and thermodynamic stability) indicates that this missense variant is not expected to disrupt PCDH15 protein function with a negative predictive value of 95%. In summary, the available evidence is currently insufficient to determine the role of this variant in disease. Therefore, it has been classified as a Variant of Uncertain Significance.

NM_033056.4(PCDH15):c.5141G>A (p.Arg1714Lys)

Gene: PCDH15 (protocadherin related 15; minus strand). Cytogenetic location: 10q21.1.
Variant type: single nucleotide variant.
Coding change: c.5141G>A on transcript NM_033056.4 (MANE Plus Clinical); coding-DNA position 5141, G replaced by A.
Protein change: p.Arg1714Lys; replaces arginine 1714 with lysine.
Molecular consequence: missense variant. On other transcripts: intron variant (8).
Genome position (GRCh38, 1-based): chr10:53,822,585, C>T on the plus strand (G>A on the coding strand, the complement: PCDH15 is on the minus strand). VCF-style: chr10-53822585-C-T. GRCh37 (hg19) VCF-style: chr10-55582345-C-T.
Other names: c.5162G>A, p.Arg1721Lys (NM_001142763.2); c.5147G>A, p.Arg1716Lys (NM_001142764.2); c.4934G>A, p.Arg1645Lys (NM_001142765.2); c.5132G>A, p.Arg1711Lys (NM_001142766.2); c.5021G>A, p.Arg1674Lys (NM_001142767.2); c.5081G>A, p.Arg1694Lys (NM_001142768.2); c.5072G>A, p.Arg1691Lys (NM_001142773.2); c.5075G>A, p.Arg1692Lys (NM_001354404.2); and 7 more; short protein forms R1645K, R1674K, R1691K, R1692K, R1694K, R1711K, R1714K, R1716K.
Identifiers: ClinVar variation 2417035 (VCV002417035.6), dbSNP rs759247512, ClinGen allele CA5505117.